The following is an entry in ClinVar:

NM_005506.4(SCARB2):c.1002dup (p.Ile335fs)

Gene: SCARB2 (scavenger receptor class B member 2; minus strand). Cytogenetic location: 4q21.1.
Variant type: Duplication.
Coding change: c.1002dup on transcript NM_005506.4 (MANE Select); coding-DNA position 1002, one base duplicated (C; older notation c.1002dupC).
Protein change: p.Ile335fs; shifts the reading frame from isoleucine 335.
Molecular consequence: frameshift variant.
Genome position (GRCh38, 1-based): chr4:76,169,978, G duplicated on the plus strand (C on the coding strand, the reverse complement: SCARB2 is on the minus strand); the first of 3 consecutive G bases (chr4:76,169,978-76,169,980); duplicating any one gives the same sequence. VCF-style (leftmost placement, unchanged base first): chr4-76169977-T-TG. GRCh37 (hg19) VCF-style: chr4-77091130-T-TG.
Other names: c.573dup, p.Ile192fs (NM_001204255.2); short protein forms I192fs, I335fs.
Identifiers: ClinVar variation 938927 (VCV000938927.8), dbSNP rs780638384, ClinGen allele CA99888755.
Genomic context (GRCh38, chr4:76,169,977, plus strand): 5'-CTTCTATGGCAGAAACAAACCTCTCATCTGCTTGGTAAAAGTGTGGGAAAGACATAATGA[T>TG]GGGTGCACCTGCATTTGAAGGAAAACAGAAATGAATGATGCTGTTTTTAAAATCTAAGCT-3'

ClinVar aggregate classification (germline): Pathogenic/Likely pathogenic. Review status: criteria provided, multiple submitters, no conflicts (2 of 4 stars). 2 submissions from 2 submitters: Pathogenic (1); Likely pathogenic (1). Last evaluated 2024-08-20.

Conditions:
Action myoclonus-renal failure syndrome. Also called: MYOCLONUS-NEPHROPATHY SYNDROME; EPILEPSY, PROGRESSIVE MYOCLONIC, 4, WITH RENAL FAILURE; EPILEPSY, PROGRESSIVE MYOCLONIC, 4, WITHOUT RENAL FAILURE; SCARB2-Related Action Myoclonus-Renal Failure Syndrome. Identifiers: Orphanet 163696, MedGen C0751779, MeSH D020191, MONDO:0009699, OMIM 254900.
Progressive myoclonic epilepsy. Also called: Familial progressive myoclonic epilepsy; Progressive myoclonus epilepsy; Myoclonic Epilepsies, Progressive; Myoclonus epilepsy. Identifiers: Orphanet 308, Orphanet 98261, MedGen C0751778, MONDO:0020074.

Submissions (2):

Labcorp Genetics (formerly Invitae), Labcorp
Classification: Pathogenic for Progressive myoclonic epilepsy. Last evaluated: 2024-08-20. Review status: criteria provided, single submitter. Criteria: Invitae Variant Classification Sherloc (09022015). Collection method: clinical testing. Allele origin: germline.
Comment: This sequence change creates a premature translational stop signal (p.Ile335Hisfs*13) in the SCARB2 gene. It is expected to result in an absent or disrupted protein product. Loss-of-function variants in SCARB2 are known to be pathogenic (PMID: 19847901). This variant is not present in population databases (gnomAD no frequency). This variant has not been reported in the literature in individuals affected with SCARB2-related conditions. ClinVar contains an entry for this variant (Variation ID: 938927). For these reasons, this variant has been classified as Pathogenic.

Fulgent Genetics
Classification: Likely pathogenic for Action myoclonus-renal failure syndrome. Last evaluated: 2024-02-08. Review status: criteria provided, single submitter. Criteria: ACMG Guidelines, 2015. Collection method: clinical testing. Allele origin: germline.

Literature cited by the submitters: PubMed 19847901 (cited by Labcorp Genetics (formerly Invitae), Labcorp).